The following is an entry in ClinVar:

ClinVar aggregate classification (germline): Uncertain significance. Review status: criteria provided, multiple submitters, no conflicts (2 of 4 stars). 2 submissions from 2 submitters: Uncertain significance (2). Last evaluated 2025-06-10.

Conditions:
Malignant hyperthermia, susceptibility to, 1 (MHS1). Also called: Anesthesia related hyperthermia; Malignant hyperpyrexia; Fulminating hyperpyrexia; Pharmacogenic myopathy; RYR1-Related Malignant Hyperthermia Susceptibility; Malignant hyperthermia suceptibility 1. Identifiers: Orphanet 423, MedGen C2930980, MONDO:0007783, OMIM 145600.

Allele frequency attached by ClinVar (database versions not stated): gnomAD exomes below 0.00001; ExAC 0.00001; TOPMed 0.00001.
gnomAD v4.1: 3 of 1,614,180 alleles (0.00019%); highest among the groups gnomAD compares: Admixed American, 0.005%; no homozygotes.

Submissions (2):

GeneDx
Classification: Uncertain significance. Last evaluated: 2025-06-10. Review status: criteria provided, single submitter. Criteria: GeneDx Variant Classification Process June 2021. Collection method: clinical testing. Allele origin: germline. Affected: yes.
Comment: Not observed at significant frequency in large population cohorts (gnomAD); In silico analysis supports that this missense variant has a deleterious effect on protein structure/function; Has not been previously published as pathogenic or benign to our knowledge

All of Us Research Program, National Institutes of Health
Classification: Uncertain significance for Malignant hyperthermia, susceptibility to, 1. Last evaluated: 2024-03-05. Review status: criteria provided, single submitter. Criteria: ACMG Guidelines, 2015. Collection method: clinical testing. Allele origin: germline. Inheritance: Autosomal dominant inheritance. Observed: 2 variant alleles, 2 heterozygotes.
Comment: This missense variant replaces valine with glycine at codon 4054 of the RYR1 protein. Computational prediction is inconclusive regarding the impact of this variant on protein structure and function (internally defined REVEL score threshold 0.5 < inconclusive < 0.7, PMID: 27666373). To our knowledge, functional studies have not been reported for this variant. This variant has not been reported in individuals affected with RYR1-related disorders in the literature. This variant has been identified in 3/251486 chromosomes in the general population by the Genome Aggregation Database (gnomAD). The available evidence is insufficient to determine the role of this variant in disease conclusively. Therefore, this variant is classified as a Variant of Uncertain Significance.

This study involves interpretation of variants in research participants for the purpose of population health screening. Participant phenotype was not available at the time of variant classification. Additional details can be found in publication PMID: 35346344, PMCID: PMC8962531

NM_000540.3(RYR1):c.12161T>G (p.Val4054Gly)

Gene: RYR1 (ryanodine receptor 1; plus strand). Cytogenetic location: 19q13.2.
Variant type: single nucleotide variant.
Coding change: c.12161T>G on transcript NM_000540.3 (MANE Select); coding-DNA position 12161, T replaced by G.
Protein change: p.Val4054Gly; replaces valine 4054 with glycine.
Molecular consequence: missense variant.
Genome position (GRCh38, 1-based): chr19:38,548,299, T>G. VCF-style: chr19-38548299-T-G. GRCh37 (hg19) VCF-style: chr19-39038939-T-G.
Other names: c.12146T>G, p.Val4049Gly (NM_001042723.2); short protein forms V4049G, V4054G.
Identifiers: ClinVar variation 3073768 (VCV003073768.3), dbSNP rs748943591, ClinGen allele CA058395.
Genomic context (GRCh38, chr19:38,548,299, plus strand): 5'-TGGTGAACGGCATGATCGCCCGGCAGATGGTGGACATGCTCGTGGAATCCTCATCCAATG[T>G]GGAGATGATCCTCAAGTTCTTCGACATGTTCCTGAAACTCAAGGACATTGTGGGCTCTGA-3'
Protein context (NP_000531.2, residues 4044-4064): VDMLVESSSN[Val4054Gly]EMILKFFDMF